The following is an entry in ClinVar:

NM_015030.2(FRYL):c.3727C>G (p.His1243Asp)

Gene: FRYL (FRY like transcription coactivator; minus strand). Cytogenetic location: 4p11.
Variant type: single nucleotide variant.
Coding change: c.3727C>G on transcript NM_015030.2 (MANE Select); coding-DNA position 3727, C replaced by G.
Protein change: p.His1243Asp; replaces histidine 1243 with aspartic acid.
Molecular consequence: missense variant.
Genome position (GRCh38, 1-based): chr4:48,561,606, G>C on the plus strand (C>G on the coding strand, the complement: FRYL is on the minus strand). VCF-style: chr4-48561606-G-C. GRCh37 (hg19) VCF-style: chr4-48563623-G-C.
Other names: short protein forms H1243D.
Identifiers: ClinVar variation 4880971 (VCV004880971.2).
Genomic context (GRCh38, chr4:48,561,606, plus strand): 5'-GATGTGGTAGAGGAGACAGCTGGCTGAGTACTCCATCTGTTCTCTGAACCTCCAATTTGT[G>C]AGCATAGCGAAACATCTTCGGTTCCAGAATCTATAGGAATGTGATTCCATCAACTTAGGT-3'
Protein context (NP_055845.1, residues 1233-1253): ILEPKMFRYA[His1243Asp]KLEVQRTDGV

ClinVar aggregate classification (germline): Uncertain significance (1 of 4 stars; one submission).

Submission:

Dasa
Classification: Uncertain significance. Last evaluated: 2025-07-03. Review status: criteria provided, single submitter. Criteria: DASA Assertion Criteria. Collection method: clinical testing. Allele origin: germline.
Comment: NM_015030.2(FRYL):c.3727C>G (p.His1243Asp) is a missense variant that results in the substitution of histidine with aspartic acid. This variant is absent from population databases. Computational prediction algorithms are consistent with a benign effect. The currently available literature and clinical evidence are not sufficient to establish a definitive association between this variant and the reported condition. Therefore, this variant is classified as a variant of uncertain significance.